The following is an entry in ClinVar:

ClinVar aggregate classification (germline): Uncertain significance (0 of 4 stars; one submission).

Conditions:
LRRC45-related disorder. Also called: LRRC45-related condition.

gnomAD v4.1: 26 of 1,612,442 alleles (0.0016%); highest among the groups gnomAD compares: Admixed American, 0.005%; no homozygotes.

Submission:

PreventionGenetics, part of Exact Sciences
Classification: Uncertain significance for LRRC45-related condition. Last evaluated: 2024-08-06. Review status: no assertion criteria provided. Collection method: clinical testing. Allele origin: germline.
Comment: The LRRC45 c.1325G>A variant is predicted to result in the amino acid substitution p.Arg442His. To our knowledge, this variant has not been reported in the literature. This variant is reported in 0.0057% of alleles in individuals of Latino descent in gnomAD. At this time, the clinical significance of this variant is uncertain due to the absence of conclusive functional and genetic evidence.

NM_144999.4(LRRC45):c.1325G>A (p.Arg442His)

Gene: LRRC45 (leucine rich repeat containing 45; plus strand). Cytogenetic location: 17q25.3.
Variant type: single nucleotide variant.
Coding change: c.1325G>A on transcript NM_144999.4 (MANE Select); coding-DNA position 1325, G replaced by A.
Protein change: p.Arg442His; replaces arginine 442 with histidine.
Molecular consequence: missense variant.
Genome position (GRCh38, 1-based): chr17:82,029,109, G>A. VCF-style: chr17-82029109-G-A. GRCh37 (hg19) VCF-style: chr17-79986985-G-A.
Other names: short protein forms R442H.
Identifiers: ClinVar variation 3355678 (VCV003355678.1).